The following is an entry in ClinVar:

ClinVar aggregate classification (germline): Likely pathogenic (1 of 4 stars; one submission).

Submission:

Quest Diagnostics Nichols Institute San Juan Capistrano
Classification: Likely pathogenic. Last evaluated: 2021-09-28. Review status: criteria provided, single submitter. Criteria: Quest Diagnostics criteria. Collection method: clinical testing. Allele origin: unknown.
Comment: This variant has not been reported in large, multi-ethnic general populations, and to the best of our knowledge, has not been reported in the published literature. Based on the available information, this variant is classified as likely pathogenic.

NM_001042492.3(NF1):c.4604_4606del (p.Pro1535_Phe1536delinsLeu)

Gene: NF1 (neurofibromin 1; plus strand). Cytogenetic location: 17q11.2.
Variant type: Deletion.
Coding change: c.4604_4606del on transcript NM_001042492.3 (MANE Select); coding-DNA positions 4604 to 4606, 3 bases deleted (CTT; older notation c.4604_4606delCTT).
Protein change: p.Pro1535_Phe1536delinsLeu.
Molecular consequence: inframe indel.
Genome position (GRCh38, 1-based): chr17:31,261,737-31,261,739, CTT deleted. VCF-style (leftmost placement, unchanged base first): chr17-31261736-CCTT-C. GRCh37 (hg19) VCF-style: chr17-29588754-CCTT-C.
Other names: c.4541_4543delCTT, p.Pro1514_Phe1515delinsLeu (NM_000267.4).
Identifiers: ClinVar variation 1809588 (VCV001809588.1), dbSNP rs2508429324, ClinGen allele CA2580093292.
Genomic context (GRCh38, chr17:31,261,736, plus strand): 5'-GCTAATTTTTTTTCTAAGTAGTTTGCTGTATCTAGGGATCATAAAGCTGTTGGAAGACGA[CCTT>C]TTGATAAGATGGCAACACTTCTTGCATACCTGGGTCCTCCAGAGCACAAACCTGTGGCAG-3'